The following is an entry in ClinVar:

ClinVar aggregate classification (germline): Uncertain significance (1 of 4 stars; one submission).

Conditions:
Cardiovascular phenotype. Identifiers: MedGen CN230736.

gnomAD v4.1: 1 of 1,613,366 alleles (0.000062%); highest among the groups gnomAD compares: Non-Finnish European, 0.000085%; no homozygotes.

Submission:

Ambry Genetics
Classification: Uncertain significance for Cardiovascular phenotype. Last evaluated: 2025-04-02. Review status: criteria provided, single submitter. Criteria: Ambry Variant Classification Scheme 2023. Collection method: clinical testing. Allele origin: germline.
Comment: The p.Q145H variant (also known as c.435G>C), located in coding exon 1 of the LOX gene, results from a G to C substitution at nucleotide position 435. The glutamine at codon 145 is replaced by histidine, an amino acid with highly similar properties. This amino acid position is conserved. In addition, this alteration is predicted to be tolerated by in silico analysis. Based on the available evidence, the clinical significance of this variant remains unclear.

NM_002317.7(LOX):c.435G>C (p.Gln145His)

Genes: LOX (lysyl oxidase; minus strand), SRFBP1 (serum response factor binding protein 1; plus strand). Cytogenetic location: 5q23.1.
Variant type: single nucleotide variant.
Coding change: c.435G>C on transcript NM_002317.7 (MANE Select); coding-DNA position 435, G replaced by C.
Protein change: p.Gln145His; replaces glutamine 145 with histidine.
Molecular consequence: missense variant.
Genome position (GRCh38, 1-based): chr5:122,077,551, C>G on the plus strand (G>C on the coding strand, the complement: LOX is on the minus strand). VCF-style: chr5-122077551-C-G. GRCh37 (hg19) VCF-style: chr5-121413246-C-G.
Other names: short protein forms Q145H.
Identifiers: ClinVar variation 4048006 (VCV004048006.1).
Genomic context (GRCh38, chr5:122,077,551, plus strand): 5'-GCCGTCCACGCGGCTGGGCGGCCGCAGGTTACTGAGCGCAGGAACTTCTCCCGGCGCTGT[C>G]TGGTTCTCCGCGCGCGAGGCGCCAGCTTCGCGGGCTCTAGATGTCGAGTAGCCAGCTTGG-3'
Protein context (NP_002308.2, residues 135-155): REAGASRAEN[Gln145His]TAPGEVPALS